The following is an entry in ClinVar:

NM_015634.4(KIFBP):c.518T>C (p.Met173Thr)

Gene: KIFBP (kinesin family binding protein; plus strand). Cytogenetic location: 10q22.1.
Variant type: single nucleotide variant.
Coding change: c.518T>C on transcript NM_015634.4 (MANE Select); coding-DNA position 518, T replaced by C.
Protein change: p.Met173Thr; replaces methionine 173 with threonine.
Molecular consequence: missense variant.
Genome position (GRCh38, 1-based): chr10:69,000,515, T>C. VCF-style: chr10-69000515-T-C. GRCh37 (hg19) VCF-style: chr10-70760271-T-C.
Other names: short protein forms M173T.
Identifiers: ClinVar variation 158697 (VCV000158697.53), dbSNP rs62625033, ClinGen allele CA172375.

ClinVar aggregate classification (germline): Benign/Likely benign. Review status: criteria provided, multiple submitters, no conflicts (2 of 4 stars). 13 submissions from 13 submitters: Benign (6); Likely benign (4). 3 of the submissions do not count toward it. Last evaluated 2026-09-01.

Conditions:
KIFBP-related disorder. Also called: KIFBP-related condition.
Goldberg-Shprintzen syndrome. Identifiers: Orphanet 66629, MedGen C1836123, MONDO:0012280, OMIM 609460.

Allele frequency attached by ClinVar (database versions not stated): 1000 Genomes Project 30x 0.00359; 1000 Genomes Project 0.00379; TOPMed 0.00578; gnomAD 0.00605 and 0.00610; gnomAD exomes 0.00650 and 0.00804; ExAC 0.00663; ESP Exome Variant Server 0.00715.

Submissions (13):

CeGaT Center for Human Genetics Tuebingen
Classification: Likely benign. Last evaluated: 2026-09-01. Review status: criteria provided, single submitter. Criteria: CeGaT Center For Human Genetics Tuebingen Variant Classification Criteria Version 2. Collection method: clinical testing. Allele origin: germline. Affected: yes. Observed: 42 variant alleles.
Comment: KIFBP: BS2

Labcorp Genetics (formerly Invitae), Labcorp
Classification: Benign. Last evaluated: 2026-01-19. Review status: criteria provided, single submitter. Criteria: Invitae Variant Classification Sherloc (09022015). Collection method: clinical testing. Allele origin: germline.

Genomic Medicine Center of Excellence, King Faisal Specialist Hospital and Research Centre
Classification: Likely benign. Last evaluated: 2025-08-18. Review status: criteria provided, single submitter. Criteria: ACMG Guidelines, 2015. Collection method: clinical testing. Allele origin: germline.

Ambry Genetics
Classification: Likely benign. Last evaluated: 2024-10-09. Review status: criteria provided, single submitter. Criteria: Ambry Variant Classification Scheme 2023. Collection method: clinical testing. Allele origin: germline.

Mendelics
Classification: Likely benign. Last evaluated: 2019-05-28. Review status: criteria provided, single submitter. Criteria: Mendelics Assertion Criteria 2017. Collection method: clinical testing. Allele origin: unknown.

Athena Diagnostics
Classification: Benign. Last evaluated: 2018-01-19. Review status: criteria provided, single submitter. Criteria: Athena Diagnostics Criteria. Collection method: clinical testing. Allele origin: germline.

Illumina Laboratory Services, Illumina
Classification: Benign for Goldberg-Shprintzen syndrome. Last evaluated: 2018-01-13. Review status: criteria provided, single submitter. Criteria: ICSL Variant Classification Criteria 13 December 2019. Collection method: clinical testing. Allele origin: germline.
Comment: This variant was observed in the ICSL laboratory as part of a predisposition screen in an ostensibly healthy population. It had not been previously curated by ICSL or reported in the Human Gene Mutation Database (HGMD: prior to June 1st, 2018), and was therefore a candidate for classification through an automated scoring system. Utilizing variant allele frequency, disease prevalence and penetrance estimates, and inheritance mode, an automated score was calculated to assess if this variant is too frequent to cause the disease. Based on the score and internal cut-off values, a variant classified as benign is not then subjected to further curation. The score for this variant resulted in a classification of benign for this disease.

GeneDx
Classification: Benign. Last evaluated: 2017-08-08. Review status: criteria provided, single submitter. Criteria: GeneDx Variant Classification (06012015). Collection method: clinical testing. Allele origin: germline. Affected: yes.
Comment: This variant is considered likely benign or benign based on one or more of the following criteria: it is a conservative change, it occurs at a poorly conserved position in the protein, it is predicted to be benign by multiple in silico algorithms, and/or has population frequency not consistent with disease.

Eurofins Ntd Llc (ga)
Classification: Benign. Last evaluated: 2015-06-15. Review status: criteria provided, single submitter. Criteria: EGL Classification Definitions 2015. Collection method: clinical testing. Allele origin: germline. Observed: 2 variant alleles, 2 heterozygotes.

Genetic Services Laboratory, University of Chicago
Classification: Benign. Last evaluated: 2013-02-08. Review status: criteria provided, single submitter. Criteria: ACMG Guidelines, 2007. Collection method: clinical testing. Allele origin: germline. Inheritance: Autosomal dominant inheritance.

PreventionGenetics, part of Exact Sciences
Classification: Benign for KIFBP-related condition. Last evaluated: 2019-09-26. Review status: no assertion criteria provided. Collection method: clinical testing. Allele origin: germline. Not counted in ClinVar's aggregate classification.
Comment: This variant is classified as benign based on ACMG/AMP sequence variant interpretation guidelines (Richards et al. 2015 PMID: 25741868, with internal and published modifications).

Clinical Genetics DNA and cytogenetics Diagnostics Lab, Erasmus MC, Erasmus Medical Center
Classification: Benign. Review status: no assertion criteria provided. Collection method: clinical testing. Allele origin: germline. Affected: yes. Study: VKGL Data-share Consensus. Not counted in ClinVar's aggregate classification.

Laboratory of Diagnostic Genome Analysis, Leiden University Medical Center (LUMC)
Classification: Likely benign. Review status: no assertion criteria provided. Collection method: clinical testing. Allele origin: germline. Affected: yes. Study: VKGL Data-share Consensus. Not counted in ClinVar's aggregate classification.